The following is an entry in ClinVar:

NM_000782.5(CYP24A1):c.-94A>G

Gene: CYP24A1 (cytochrome P450 family 24 subfamily A member 1; minus strand). Cytogenetic location: 20q13.2.
Variant type: single nucleotide variant.
Coding change: c.-94A>G on transcript NM_000782.5 (MANE Select); 94 bases upstream of the start codon, A replaced by G.
Molecular consequence: 5 prime UTR variant.
Genome position (GRCh38, 1-based): chr20:54,173,673, T>C on the plus strand (A>G on the coding strand, the complement: CYP24A1 is on the minus strand). VCF-style: chr20-54173673-T-C. GRCh37 (hg19) VCF-style: chr20-52790212-T-C.
Other names: c.-94A>G (NM_001128915.2).
Identifiers: ClinVar variation 338844 (VCV000338844.7), dbSNP rs74424092, ClinGen allele CA10649909.

ClinVar aggregate classification (germline): Benign. Review status: criteria provided, multiple submitters, no conflicts (2 of 4 stars). 2 submissions from 2 submitters: Benign (2). Last evaluated 2018-01-12.

Conditions:
Hypercalcemia, infantile, 1 (HCINF1). Identifiers: Orphanet 300547, MedGen CN031131, MONDO:0020739, OMIM 143880.

Allele frequency attached by ClinVar (database versions not stated): TOPMed 0.01892; gnomAD exomes 0.00163; gnomAD 0.01665 and 0.01798; 1000 Genomes Project 0.01917; 1000 Genomes Project 30x 0.02014.
gnomAD v4.1: 3,710 of 850,022 alleles (0.44%); highest among the groups gnomAD compares: African/African-American, 5.7%; 107 homozygotes.

Submissions (2):

Illumina Laboratory Services, Illumina
Classification: Benign for Hypercalcemia, infantile, 1. Last evaluated: 2018-01-12. Review status: criteria provided, single submitter. Criteria: ICSL Variant Classification Criteria 13 December 2019. Collection method: clinical testing. Allele origin: germline.
Comment: This variant was observed in the ICSL laboratory as part of a predisposition screen in an ostensibly healthy population. It had not been previously curated by ICSL or reported in the Human Gene Mutation Database (HGMD: prior to June 1st, 2018), and was therefore a candidate for classification through an automated scoring system. Utilizing variant allele frequency, disease prevalence and penetrance estimates, and inheritance mode, an automated score was calculated to assess if this variant is too frequent to cause the disease. Based on the score and internal cut-off values, a variant classified as benign is not then subjected to further curation. The score for this variant resulted in a classification of benign for this disease.

Breakthrough Genomics
Classification: Benign. Review status: criteria provided, single submitter. Criteria: ACMG Guidelines, 2015. Collection method: not provided. Allele origin: germline. Inheritance: Autosomal recessive inheritance. Affected: yes.